The following is an entry in ClinVar:

NM_018718.3(CEP41):c.*1373_*1384del

Gene: CEP41 (centrosomal protein 41; minus strand). Cytogenetic location: 7q32.2.
Variant type: Deletion.
Coding change: c.*1373_*1384del on transcript NM_018718.3 (MANE Select); 1373 bases downstream of the stop codon through 1384 bases downstream of the stop codon, 12 bases deleted (AAAAAAAAAAAA).
Molecular consequence: 3 prime UTR variant. On other transcripts: non-coding transcript variant (1).
Genome position (GRCh38, 1-based): chr7:130,397,507-130,397,518, TTTTTTTTTTTT deleted on the plus strand (AAAAAAAAAAAA on the coding strand, the reverse complement: CEP41 is on the minus strand); deleting any 12 consecutive bases within chr7:130,397,507-130,397,533 gives the same sequence; the c. name uses the placement nearest the transcript's 3' end. VCF-style (leftmost placement, unchanged base first): chr7-130397506-ATTTTTTTTTTTT-A. GRCh37 (hg19) VCF-style: chr7-130037347-ATTTTTTTTTTTT-A.
Other names: c.*1373_*1384del (NM_001257158.2, NM_001257159.2).
Identifiers: ClinVar variation 2657997 (VCV002657997.24), dbSNP rs55776575, ClinGen allele CA4485261.

ClinVar aggregate classification (germline): Likely benign (1 of 4 stars; one submission).

Submission:

CeGaT Center for Human Genetics Tuebingen
Classification: Likely benign. Last evaluated: 2023-03-01. Review status: criteria provided, single submitter. Criteria: CeGaT Center For Human Genetics Tuebingen Variant Classification Criteria Version 2. Collection method: clinical testing. Allele origin: germline. Affected: yes. Observed: 1 variant allele.
Comment: CEP41: BS1